The following is an entry in ClinVar:

NM_020822.3(KCNT1):c.2008+115G>A

Gene: KCNT1 (potassium sodium-activated channel subfamily T member 1; plus strand). Cytogenetic location: 9q34.3.
Variant type: single nucleotide variant.
Coding change: c.2008+115G>A on transcript NM_020822.3 (MANE Select); 115 bases into the intron after coding-DNA position 2008, G replaced by A.
Molecular consequence: intron variant.
Genome position (GRCh38, 1-based): chr9:135,771,210, G>A. VCF-style: chr9-135771210-G-A. GRCh37 (hg19) VCF-style: chr9-138663056-G-A.
Other names: c.1873+115G>A (NM_001272003.2).
Identifiers: ClinVar variation 682133 (VCV000682133.1), dbSNP rs7870035, ClinGen allele CA12975878.
Genomic context (GRCh38, chr9:135,771,210, plus strand): 5'-CAGGCGGGACACCGGCAGGTGACCAGGTGGGATGGGAGACCAGGCAGGACAGGGGGAGGT[G>A]ACCAGGTGGGACAGGAGACCAGGCAGGACAGGGGCAGGTGACCAGGTGGGACGGGAGACC-3'

ClinVar aggregate classification (germline): Benign (1 of 4 stars; one submission).

Allele frequency attached by ClinVar (database versions not stated): gnomAD exomes 0.44379; TOPMed 0.49480; gnomAD 0.49915 and 0.50212; 1000 Genomes Project 0.50779; 1000 Genomes Project 30x 0.51577.
gnomAD v4.1: 422,304 of 934,204 alleles (45%); highest among the groups gnomAD compares: African/African-American, 65%; 97,759 homozygotes.

Submission:

GeneDx
Classification: Benign. Last evaluated: 2018-06-14. Review status: criteria provided, single submitter. Criteria: GeneDx Variant Classification (06012015). Collection method: clinical testing. Allele origin: germline. Affected: yes.
Comment: This variant is considered likely benign or benign based on one or more of the following criteria: it is a conservative change, it occurs at a poorly conserved position in the protein, it is predicted to be benign by multiple in silico algorithms, and/or has population frequency not consistent with disease.